The following is an entry in ClinVar:

ClinVar aggregate classification (germline): Uncertain significance. Review status: criteria provided, multiple submitters, no conflicts (2 of 4 stars). 2 submissions from 2 submitters: Uncertain significance (2). Last evaluated 2025-12-15.

Conditions:
Inborn genetic diseases. Identifiers: MedGen C0950123, MeSH D030342.
Nephronophthisis. Also called: Juvenile Nephronophthisis. Identifiers: Orphanet 655, MedGen C0687120, MONDO:0019005, HP:0000090.

Allele frequency attached by ClinVar (database versions not stated): gnomAD 0.00001; TOPMed 0.00002.
gnomAD v4.1: 11 of 1,613,582 alleles (0.00068%); highest among the groups gnomAD compares: Admixed American, 0.018%; no homozygotes.

Submissions (2):

Ambry Genetics
Classification: Uncertain significance for Inborn genetic diseases. Last evaluated: 2025-12-15. Review status: criteria provided, single submitter. Criteria: Ambry Variant Classification Scheme 2023. Collection method: clinical testing. Allele origin: germline.

Labcorp Genetics (formerly Invitae), Labcorp
Classification: Uncertain significance for Nephronophthisis. Last evaluated: 2022-09-27. Review status: criteria provided, single submitter. Criteria: Invitae Variant Classification Sherloc (09022015). Collection method: clinical testing. Allele origin: germline.
Comment: This sequence change replaces valine, which is neutral and non-polar, with alanine, which is neutral and non-polar, at codon 1130 of the NPHP4 protein (p.Val1130Ala). This variant is present in population databases (no rsID available, gnomAD 0.02%). This variant has not been reported in the literature in individuals affected with NPHP4-related conditions. ClinVar contains an entry for this variant (Variation ID: 1418408). Advanced modeling of protein sequence and biophysical properties (such as structural, functional, and spatial information, amino acid conservation, physicochemical variation, residue mobility, and thermodynamic stability) performed at Invitae indicates that this missense variant is expected to disrupt NPHP4 protein function. In summary, the available evidence is currently insufficient to determine the role of this variant in disease. Therefore, it has been classified as a Variant of Uncertain Significance.

NM_015102.5(NPHP4):c.3389T>C (p.Val1130Ala)

Gene: NPHP4 (nephrocystin 4; minus strand). Cytogenetic location: 1p36.31.
Variant type: single nucleotide variant.
Coding change: c.3389T>C on transcript NM_015102.5 (MANE Select); coding-DNA position 3389, T replaced by C.
Protein change: p.Val1130Ala; replaces valine 1130 with alanine.
Molecular consequence: missense variant. On other transcripts: non-coding transcript variant (1).
Genome position (GRCh38, 1-based): chr1:5,867,823, A>G on the plus strand (T>C on the coding strand, the complement: NPHP4 is on the minus strand). VCF-style: chr1-5867823-A-G. GRCh37 (hg19) VCF-style: chr1-5927883-A-G.
Other names: c.1850T>C, p.Val617Ala (NM_001291593.2); c.1853T>C, p.Val618Ala (NM_001291594.2); c.3389T>C (NM_015102.3); short protein forms V1130A, V618A, V617A.
Identifiers: ClinVar variation 1418408 (VCV001418408.5), dbSNP rs752042066, ClinGen allele CA338052361.
Genomic context (GRCh38, chr1:5,867,823, plus strand): 5'-AGGCGGATGGCCTTCTTCAGGAAGGAGAGCTCCGGGTGATAGAAGCGGAAGACCTGGTCC[A>G]CCACGTGGGGCTGCAGCTCCACAGTCAGGCAGAGCACGGCGATGGGCTTGCCACCACTCG-3'
Protein context (NP_055917.1, residues 1120-1140): CLTVELQPHV[Val1130Ala]DQVFRFYHPE